The following is an entry in ClinVar:

NM_006231.4(POLE):c.1309G>A (p.Val437Met)

Gene: POLE (DNA polymerase epsilon, catalytic subunit; minus strand). Cytogenetic location: 12q24.33.
Variant type: single nucleotide variant.
Coding change: c.1309G>A on transcript NM_006231.4 (MANE Select); coding-DNA position 1309, G replaced by A.
Protein change: p.Val437Met; replaces valine 437 with methionine.
Molecular consequence: missense variant.
Genome position (GRCh38, 1-based): chr12:132,673,625, C>T on the plus strand (G>A on the coding strand, the complement: POLE is on the minus strand). VCF-style: chr12-132673625-C-T. GRCh37 (hg19) VCF-style: chr12-133250211-C-T.
Other names: short protein forms V437M.
Identifiers: ClinVar variation 252659 (VCV000252659.27), dbSNP rs115047349, ClinGen allele CA6894009.

ClinVar aggregate classification (germline): Uncertain significance. Review status: criteria provided, multiple submitters, no conflicts (2 of 4 stars). 9 submissions from 9 submitters: Uncertain significance (8). 1 of the submissions does not count toward it. Last evaluated 2026-01-08.

Conditions:
Hereditary cancer-predisposing syndrome. Also called: Neoplastic Syndromes, Hereditary; Tumor predisposition; Hereditary neoplastic syndrome; Hereditary Cancer Syndrome. Identifiers: Orphanet 140162, MedGen C0027672, MeSH D009386, MONDO:0015356.
Colorectal cancer, susceptibility to, 12 (CRCS12). Also called: COLORECTAL CANCER, SUSCEPTIBILITY TO, ON CHROMOSOME 12q24. Identifiers: Orphanet 220460, MedGen C3554460, MONDO:0014038, OMIM 615083.

Allele frequency attached by ClinVar (database versions not stated): gnomAD 0.00001; TOPMed 0.00003.
gnomAD v4.1: 24 of 1,613,754 alleles (0.0015%); highest among the groups gnomAD compares: East Asian, 0.018%; no homozygotes.

Submissions (9):

Ambry Genetics
Classification: Uncertain significance for Hereditary cancer-predisposing syndrome. Last evaluated: 2026-01-08. Review status: criteria provided, single submitter. Criteria: Ambry Variant Classification Scheme 2023. Collection method: clinical testing. Allele origin: germline.
Comment: The p.V437M variant (also known as c.1309G>A), located in coding exon 13 of the POLE gene, results from a G to A substitution at nucleotide position 1309. The valine at codon 437 is replaced by methionine, an amino acid with highly similar properties. This amino acid position is highly conserved in available vertebrate species. In addition, the in silico prediction for this alteration is inconclusive. Based on the available evidence, the clinical significance of this variant remains unclear.

Labcorp Genetics (formerly Invitae), Labcorp
Classification: Uncertain significance. Last evaluated: 2025-12-10. Review status: criteria provided, single submitter. Criteria: Invitae Variant Classification Sherloc (09022015). Collection method: clinical testing. Allele origin: germline.
Comment: This sequence change replaces valine, which is neutral and non-polar, with methionine, which is neutral and non-polar, at codon 437 of the POLE protein (p.Val437Met). This variant is present in population databases (rs115047349, gnomAD 0.0009%). This missense change has been observed in individual(s) with ovarian cancer (PMID: 30306255). ClinVar contains an entry for this variant (Variation ID: 252659). Invitae Evidence Modeling of protein sequence and biophysical properties (such as structural, functional, and spatial information, amino acid conservation, physicochemical variation, residue mobility, and thermodynamic stability) indicates that this missense variant is not expected to disrupt POLE protein function with a negative predictive value of 80%. In summary, the available evidence is currently insufficient to determine the role of this variant in disease. Therefore, it has been classified as a Variant of Uncertain Significance.

Baylor Genetics
Classification: Uncertain significance for Colorectal cancer, susceptibility to, 12. Last evaluated: 2023-12-27. Review status: criteria provided, single submitter. Criteria: ACMG Guidelines, 2015. Collection method: clinical testing. Allele origin: unknown.

GeneDx
Classification: Uncertain significance. Last evaluated: 2023-08-09. Review status: criteria provided, single submitter. Criteria: GeneDx Variant Classification Process June 2021. Collection method: clinical testing. Allele origin: germline. Affected: yes.
Comment: Not observed at significant frequency in large population cohorts (gnomAD); In silico analysis supports that this missense variant does not alter protein structure/function; Observed in an individual with ovarian cancer (Bonache et al., 2018); This variant is associated with the following publications: (PMID: 25228659, 30306255)

Quest Diagnostics Nichols Institute San Juan Capistrano
Classification: Uncertain significance. Last evaluated: 2023-06-30. Review status: criteria provided, single submitter. Criteria: Quest Diagnostics criteria. Collection method: clinical testing. Allele origin: unknown.
Comment: In the published literature, this variant has been reported in an individual with ovarian cancer who also carried a truncating variant in the RECQL4 gene (PMID: 30306255 (2018)). The frequency of this variant in the general population, 0.000004 (1/251166 chromosomes (Genome Aggregation Database)), is uninformative in the assessment of its pathogenicity. Analysis of this variant using bioinformatics tools for the prediction of the effect of amino acid changes on protein structure and function yielded predictions that this variant is damaging. Based on the available information, we are unable to determine the clinical significance of this variant.

Myriad Genetics, Inc.
Classification: Uncertain significance for Colorectal cancer, susceptibility to, 12. Last evaluated: 2023-04-19. Review status: criteria provided, single submitter. Criteria: Myriad Autosomal Dominant, Autosomal Recessive and X-Linked Classification Criteria (2023). Collection method: clinical testing. Allele origin: unknown.
Comment: This variant is classified as a variant of uncertain significance as there is insufficient evidence to determine its impact on protein function and/or cancer risk.

Blueprint Genetics
Classification: Uncertain significance. Last evaluated: 2022-09-05. Review status: criteria provided, single submitter. Criteria: ACMG Guidelines, 2015. Collection method: clinical testing. Allele origin: germline.

Genomic Diagnostic Laboratory, Division of Genomic Diagnostics, Children's Hospital of Philadelphia
Classification: Uncertain significance. Last evaluated: 2015-11-24. Review status: criteria provided, single submitter. Criteria: DGD Variant Analysis Guidelines. Collection method: clinical testing. Allele origin: unknown.

Counsyl
Classification: Uncertain significance for Colorectal cancer, susceptibility to, 12. Last evaluated: 2018-05-30. Review status: no assertion criteria provided. Collection method: clinical testing. Allele origin: unknown. Not counted in ClinVar's aggregate classification.

Literature cited by the submitters: PubMed 25228659 (cited by Ambry Genetics and Quest Diagnostics Nichols Institute San Juan Capistrano); PubMed 30306255 (cited by Labcorp Genetics (formerly Invitae), Labcorp and Quest Diagnostics Nichols Institute San Juan Capistrano).